The following is an entry in ClinVar:

ClinVar aggregate classification (germline): Likely benign. Review status: criteria provided, multiple submitters, no conflicts (2 of 4 stars). 3 submissions from 3 submitters: Likely benign (2). 1 of the submissions does not count toward it. Last evaluated 2025-08-21.

Conditions:
TECTA-related disorder. Also called: TECTA-related condition.

Allele frequency attached by ClinVar (database versions not stated): ExAC 0.00001; gnomAD 0.00003 and 0.00004; gnomAD exomes 0.00006; TOPMed 0.00008.
gnomAD v4.1: 93 of 1,612,998 alleles (0.0058%); highest among the groups gnomAD compares: Middle Eastern, 0.016%; no homozygotes.

Submissions (3):

Labcorp Genetics (formerly Invitae), Labcorp
Classification: Likely benign. Last evaluated: 2025-08-21. Review status: criteria provided, single submitter. Criteria: Invitae Variant Classification Sherloc (09022015). Collection method: clinical testing. Allele origin: germline.

Blueprint Genetics
Classification: Likely benign. Last evaluated: 2024-04-12. Review status: criteria provided, single submitter. Criteria: ACMG Guidelines, 2015. Collection method: clinical testing. Allele origin: germline.

PreventionGenetics, part of Exact Sciences
Classification: Likely benign for TECTA-related condition. Last evaluated: 2019-04-22. Review status: no assertion criteria provided. Collection method: clinical testing. Allele origin: germline. Not counted in ClinVar's aggregate classification.
Comment: This variant is classified as likely benign based on ACMG/AMP sequence variant interpretation guidelines (Richards et al. 2015 PMID: 25741868, with internal and published modifications).

NM_005422.4(TECTA):c.5211C>T (p.Tyr1737=)

Genes: TBCEL-TECTA (TBCEL-TECTA readthrough; plus strand), TECTA (tectorin alpha; plus strand). Cytogenetic location: 11q23.3.
Variant type: single nucleotide variant.
Coding change: c.5211C>T on transcript NM_005422.4 (MANE Select); coding-DNA position 5211, C replaced by T.
Protein change: p.Tyr1737=; no amino-acid change (tyrosine 1737 retained).
Molecular consequence: synonymous variant.
Genome position (GRCh38, 1-based): chr11:121,162,309, C>T. VCF-style: chr11-121162309-C-T. GRCh37 (hg19) VCF-style: chr11-121033018-C-T.
Other names: c.6153C>T, p.Tyr2051= (NM_001378761.1).
Identifiers: ClinVar variation 1538216 (VCV001538216.11), dbSNP rs753147946, ClinGen allele CA6327672.
Genomic context (GRCh38, chr11:121,162,309, plus strand): 5'-CTACCTGGACGGCTGCTACAGCCACAAGAAGTTCCAGCTGTGCGGCTCCCTGGCCGCCTA[C>T]GGGGAGGCCTGCCGCTCCTTCGGGATCCTTAGCACCGAGTGGATTGAGAAGGAGAATTGC-3'
Protein context (NP_005413.2, residues 1727-1747): KFQLCGSLAA[Tyr1737=]GEACRSFGIL